The following is an entry in ClinVar:

NM_000179.3(MSH6):c.3050del (p.Asn1017fs)

Gene: MSH6 (mutS homolog 6; plus strand). Cytogenetic location: 2p16.3.
Variant type: Deletion.
Coding change: c.3050del on transcript NM_000179.3 (MANE Select); coding-DNA position 3050, one base deleted (A; older notation c.3050delA).
Protein change: p.Asn1017fs; shifts the reading frame from asparagine 1017.
Molecular consequence: frameshift variant.
Genome position (GRCh38, 1-based): chr2:47,801,033, A deleted; the last of 2 consecutive A bases (chr2:47,801,032-47,801,033); deleting either gives the same sequence. VCF-style (leftmost placement, unchanged base first): chr2-47801031-TA-T. GRCh37 (hg19) VCF-style: chr2-48028170-TA-T.
Other names: c.2882delA, p.Asn961Ilefs (NM_001406826.1); c.2753delA, p.Asn918Ilefs (NM_001406827.1, NM_001406828.1, NM_001406830.1 and 10 more transcripts); c.2144delA, p.Asn715Ilefs (NM_001406829.1, NM_001406811.1, NM_001406812.1 and 4 more transcripts); c.995delA, p.Asn332Ilefs (NM_001407362.1); c.2660del, p.Asn887fs (NM_001281492.2); c.2144del, p.Asn715fs (NM_001281493.2, NM_001281494.2); c.3146delA, p.Asn1049Ilefs (NM_001406795.1, NM_001406802.1); c.3050delA, p.Asn1017Ilefs (NM_001406796.1, NM_001406798.1, NM_001406800.1 and 2 more transcripts); and 3 more; short protein forms N1017fs, N715fs, N887fs.
Identifiers: ClinVar variation 1799268 (VCV001799268.2), dbSNP rs2530710027, ClinGen allele CA2580068125.

ClinVar aggregate classification (germline): Pathogenic (1 of 4 stars; one submission).

Conditions:
Hereditary cancer-predisposing syndrome. Also called: Neoplastic Syndromes, Hereditary; Tumor predisposition; Hereditary Cancer Syndrome; Hereditary neoplastic syndrome. Identifiers: Orphanet 140162, MedGen C0027672, MeSH D009386, MONDO:0015356.

Submission:

Ambry Genetics
Classification: Pathogenic for Hereditary cancer-predisposing syndrome. Last evaluated: 2017-10-16. Review status: criteria provided, single submitter. Criteria: Ambry Variant Classification Scheme 2023. Collection method: clinical testing. Allele origin: germline.
Comment: The c.3050delA variant, located in coding exon 4 of the MSH6 gene, results from a deletion of one nucleotide at nucleotide position 3050, causing a translational frameshift with a predicted alternate stop codon (p.N1017Ifs*3). While this exact alteration has not been reported in the literature, a different mutation resulting in the same stop codon (c.3038delA) has been reported in an individual with suspected Lynch syndrome (Goldberg Y et al. Clin. Genet., 2015 Jun;87:549-53). In addition to the clinical data presented in the literature, this alteration is expected to result in loss of function by premature protein truncation or nonsense-mediated mRNA decay. As such, this alteration is interpreted as a disease-causing mutation.

Literature cited by the submitters: PubMed 25430799.